The following is an entry in ClinVar:

NM_002661.5(PLCG2):c.3496C>A (p.Pro1166Thr)

Gene: PLCG2 (phospholipase C gamma 2; plus strand). Cytogenetic location: 16q23.3.
Variant type: single nucleotide variant.
Coding change: c.3496C>A on transcript NM_002661.5 (MANE Select); coding-DNA position 3496, C replaced by A.
Protein change: p.Pro1166Thr; replaces proline 1166 with threonine.
Molecular consequence: missense variant.
Genome position (GRCh38, 1-based): chr16:81,946,189, C>A. VCF-style: chr16-81946189-C-A. GRCh37 (hg19) VCF-style: chr16-81979794-C-A.
Other names: short protein forms P1166T.
Identifiers: ClinVar variation 582149 (VCV000582149.8), dbSNP rs374517633, ClinGen allele CA8194753.

ClinVar aggregate classification (germline): Uncertain significance (1 of 4 stars; one submission).

Conditions:
Familial cold autoinflammatory syndrome 3 (FCAS3). Also called: ANTIBODY DEFICIENCY AND IMMUNE DYSREGULATION, PLCG2-ASSOCIATED; FAMILIAL ATYPICAL COLD URTICARIA. Identifiers: Orphanet 300359, MedGen C3280914, MONDO:0013766, OMIM 614468.

Allele frequency attached by ClinVar (database versions not stated): ExAC 0.00001; gnomAD exomes 0.00002; TOPMed 0.00003; gnomAD 0.00006; ESP Exome Variant Server 0.00016.
gnomAD v4.1: 26 of 1,613,406 alleles (0.0016%); highest among the groups gnomAD compares: African/African-American, 0.0053%; no homozygotes.

Submission:

Labcorp Genetics (formerly Invitae), Labcorp
Classification: Uncertain significance for Familial cold autoinflammatory syndrome 3. Last evaluated: 2026-01-12. Review status: criteria provided, single submitter. Criteria: Invitae Variant Classification Sherloc (09022015). Collection method: clinical testing. Allele origin: germline.
Comment: This sequence change replaces proline, which is neutral and non-polar, with threonine, which is neutral and polar, at codon 1166 of the PLCG2 protein (p.Pro1166Thr). This variant is present in population databases (rs374517633, gnomAD 0.003%). This variant has not been reported in the literature in individuals affected with PLCG2-related conditions. ClinVar contains an entry for this variant (Variation ID: 582149). An algorithm developed to predict the effect of missense changes on protein structure and function (PolyPhen-2) suggests that this variant is likely to be disruptive. In summary, the available evidence is currently insufficient to determine the role of this variant in disease. Therefore, it has been classified as a Variant of Uncertain Significance.